The following is an entry in ClinVar:

ClinVar aggregate classification (germline): Uncertain significance (1 of 4 stars; one submission).

Submission:

GeneDx
Classification: Uncertain significance. Last evaluated: 2022-04-12. Review status: criteria provided, single submitter. Criteria: GeneDx Variant Classification Process June 2021. Collection method: clinical testing. Allele origin: germline. Affected: yes.
Comment: Not observed at significant frequency in large population cohorts (gnomAD); In silico analysis supports that this missense variant has a deleterious effect on protein structure/function; Has not been previously published as pathogenic or benign to our knowledge; Variants in candidate genes are classified as variants of uncertain significance in accordance with ACMG guidelines (Richards et al., 2015)

NM_015057.5(MYCBP2):c.2341A>G (p.Ser781Gly)

Gene: MYCBP2 (MYC binding protein 2; minus strand). Cytogenetic location: 13q22.3.
Variant type: single nucleotide variant.
Coding change: c.2341A>G on transcript NM_015057.5 (MANE Select); coding-DNA position 2341, A replaced by G.
Protein change: p.Ser781Gly; replaces serine 781 with glycine.
Molecular consequence: missense variant.
Genome position (GRCh38, 1-based): chr13:77,251,191, T>C on the plus strand (A>G on the coding strand, the complement: MYCBP2 is on the minus strand). VCF-style: chr13-77251191-T-C. GRCh37 (hg19) VCF-style: chr13-77825326-T-C.
Other names: short protein forms S781G.
Identifiers: ClinVar variation 1712132 (VCV001712132.2), dbSNP rs2549520337, ClinGen allele CA388406674.